The following is an entry in ClinVar:

ClinVar aggregate classification (germline): Uncertain significance (1 of 4 stars; one submission).

Allele frequency attached by ClinVar (database versions not stated): gnomAD exomes below 0.00001 and 0.00001; ExAC 0.00001.
gnomAD v4.1: 5 of 1,614,256 alleles (0.00031%); highest among the groups gnomAD compares: Non-Finnish European, 0.00042%; no homozygotes.

Submission:

Labcorp Genetics (formerly Invitae), Labcorp
Classification: Uncertain significance. Last evaluated: 2021-09-18. Review status: criteria provided, single submitter. Criteria: Invitae Variant Classification Sherloc (09022015). Collection method: clinical testing. Allele origin: germline.
Comment: In summary, the available evidence is currently insufficient to determine the role of this variant in disease. Therefore, it has been classified as a Variant of Uncertain Significance. Algorithms developed to predict the effect of missense changes on protein structure and function output the following: SIFT: "Deleterious"; PolyPhen-2: "Benign"; Align-GVGD: "Class C15". The leucine amino acid residue is found in multiple mammalian species, which suggests that this missense change does not adversely affect protein function. This variant has not been reported in the literature in individuals affected with NBAS-related conditions. This variant is present in population databases (rs753895687, ExAC 0.001%). This sequence change replaces phenylalanine with leucine at codon 2129 of the NBAS protein (p.Phe2129Leu). The phenylalanine residue is highly conserved and there is a small physicochemical difference between phenylalanine and leucine.

NM_015909.4(NBAS):c.6385T>C (p.Phe2129Leu)

Gene: NBAS (NBAS subunit of NRZ tethering complex; minus strand). Cytogenetic location: 2p24.3.
Variant type: single nucleotide variant.
Coding change: c.6385T>C on transcript NM_015909.4 (MANE Select); coding-DNA position 6385, T replaced by C.
Protein change: p.Phe2129Leu; replaces phenylalanine 2129 with leucine.
Molecular consequence: missense variant.
Genome position (GRCh38, 1-based): chr2:15,218,820, A>G on the plus strand (T>C on the coding strand, the complement: NBAS is on the minus strand). VCF-style: chr2-15218820-A-G. GRCh37 (hg19) VCF-style: chr2-15358944-A-G.
Other names: short protein forms F2129L.
Identifiers: ClinVar variation 1417027 (VCV001417027.6), dbSNP rs753895687, ClinGen allele CA1535021.
Genomic context (GRCh38, chr2:15,218,820, plus strand): 5'-GACACTCCCTTACCTGTCTCTGGGGCCAGGAGGCTTTGAGAATGGCTTCAGTTCTAAAGA[A>G]CACGAGGAGCTTGCTGTCCTCCTCAGTCAGGTGAAATGATTGCCCCAAAATCTGCAGCAC-3'
Protein context (NP_056993.2, residues 2119-2139): LTEEDSKLLV[Phe2129Leu]FRTEAILKAS